The following is an entry in ClinVar:

NM_153006.3(NAGS):c.1368C>G (p.Ser456=)

Gene: NAGS (N-acetylglutamate synthase; plus strand). Cytogenetic location: 17q21.31.
Variant type: single nucleotide variant.
Coding change: c.1368C>G on transcript NM_153006.3 (MANE Select); coding-DNA position 1368, C replaced by G.
Protein change: p.Ser456=; no amino-acid change (serine 456 retained).
Molecular consequence: synonymous variant.
Genome position (GRCh38, 1-based): chr17:44,007,690, C>G. VCF-style: chr17-44007690-C-G. GRCh37 (hg19) VCF-style: chr17-42085058-C-G.
Identifiers: ClinVar variation 384582 (VCV000384582.51), dbSNP rs147700427, ClinGen allele CA8595385.

ClinVar aggregate classification (germline): Benign/Likely benign. Review status: criteria provided, multiple submitters, no conflicts (2 of 4 stars). 7 submissions from 7 submitters: Benign (1); Likely benign (4). 2 of the submissions do not count toward it. Last evaluated 2026-02-02.

Conditions:
Hyperammonemia, type III (NAGSD). Also called: Hyperammonemia due to N-acetylglutamate synthase deficiency. Identifiers: Orphanet 927, MedGen C0268543, MONDO:0009377, OMIM 237310.
NAGS-related disorder. Also called: NAGS-related condition.

Allele frequency attached by ClinVar (database versions not stated): gnomAD exomes 0.00170; TOPMed 0.00181; gnomAD 0.00182 and 0.00184; ESP Exome Variant Server 0.00192; ExAC 0.00264; 1000 Genomes Project 30x 0.00062; 1000 Genomes Project 0.00080.
gnomAD v4.1: 4,367 of 1,604,718 alleles (0.27%); highest among the groups gnomAD compares: Non-Finnish European, 0.33%; 13 homozygotes.

Submissions (7):

Labcorp Genetics (formerly Invitae), Labcorp
Classification: Benign for Hyperammonemia, type III. Last evaluated: 2026-02-02. Review status: criteria provided, single submitter. Criteria: Invitae Variant Classification Sherloc (09022015). Collection method: clinical testing. Allele origin: germline.

CeGaT Center for Human Genetics Tuebingen
Classification: Likely benign. Last evaluated: 2025-07-01. Review status: criteria provided, single submitter. Criteria: CeGaT Center For Human Genetics Tuebingen Variant Classification Criteria Version 2. Collection method: clinical testing. Allele origin: germline. Affected: yes. Observed: 2 variant alleles.
Comment: NAGS: BP4, BP7, BS2

Blueprint Genetics
Classification: Likely benign. Last evaluated: 2024-11-19. Review status: criteria provided, single submitter. Criteria: ACMG Guidelines, 2015. Collection method: clinical testing. Allele origin: germline.

GeneDx
Classification: Likely benign. Last evaluated: 2018-05-25. Review status: criteria provided, single submitter. Criteria: GeneDx Variant Classification Process June 2021. Collection method: clinical testing. Allele origin: germline. Affected: yes.

Illumina Laboratory Services, Illumina
Classification: Likely benign for Hyperammonemia, type III. Last evaluated: 2017-04-27. Review status: criteria provided, single submitter. Criteria: ICSL Variant Classification Criteria 13 December 2019. Collection method: clinical testing. Allele origin: germline.
Comment: This variant was observed as part of a predisposition screen in an ostensibly healthy population. A literature search was performed for the gene, cDNA change, and amino acid change (where applicable). Publications were found based on this search. The evidence from the literature, in combination with allele frequency data from public databases where available, was sufficient to determine this variant is unlikely to cause disease. Therefore, this variant is classified as likely benign.

Natera, Inc.
Classification: Benign for Hyperammonemia type III. Last evaluated: 2019-12-05. Review status: no assertion criteria provided. Collection method: clinical testing. Allele origin: germline. Not counted in ClinVar's aggregate classification.

PreventionGenetics, part of Exact Sciences
Classification: Likely benign for NAGS-related condition. Last evaluated: 2019-11-22. Review status: no assertion criteria provided. Collection method: clinical testing. Allele origin: germline. Not counted in ClinVar's aggregate classification.
Comment: This variant is classified as likely benign based on ACMG/AMP sequence variant interpretation guidelines (Richards et al. 2015 PMID: 25741868, with internal and published modifications).

Literature cited by the submitters: PubMed 23894642 (cited by Illumina Laboratory Services, Illumina).